The following is an entry in ClinVar:

NM_003086.4(SNAPC4):c.4020G>A (p.Pro1340=)

Gene: SNAPC4 (small nuclear RNA activating complex polypeptide 4; minus strand). Cytogenetic location: 9q34.3.
Variant type: single nucleotide variant.
Coding change: c.4020G>A on transcript NM_003086.4 (MANE Select); coding-DNA position 4020, G replaced by A.
Protein change: p.Pro1340=; no amino-acid change (proline 1340 retained).
Molecular consequence: synonymous variant.
Genome position (GRCh38, 1-based): chr9:136,377,807, C>T on the plus strand (G>A on the coding strand, the complement: SNAPC4 is on the minus strand). VCF-style: chr9-136377807-C-T. GRCh37 (hg19) VCF-style: chr9-139272259-C-T.
Other names: c.3936G>A, p.Pro1312= (NM_001394203.1, NM_001394202.1); c.4020G>A, p.Pro1340= (NM_001394201.1).
Identifiers: ClinVar variation 4533957 (VCV004533957.6).
Genomic context (GRCh38, chr9:136,377,807, plus strand): 5'-GGCCGGGTTGTCCTGGAGCTGCCCCCGCACCAGCCCCAGTGAGGCTTGCAGTGCTCCGGC[C>T]GGCCGCTCAGCCTCGCCCCCCACCACCAGGGAGGTGGCCTTGTGCTCCAGGGCCTTCTTG-3'
Protein context (NP_003077.2, residues 1330-1350): SLVVGGEAER[Pro1340=]AGALQASLGL

ClinVar aggregate classification (germline): Likely benign (1 of 4 stars; one submission).

Submission:

CeGaT Center for Human Genetics Tuebingen
Classification: Likely benign. Last evaluated: 2025-11-01. Review status: criteria provided, single submitter. Criteria: CeGaT Center For Human Genetics Tuebingen Variant Classification Criteria Version 2. Collection method: clinical testing. Allele origin: germline. Affected: yes. Observed: 1 variant allele.
Comment: SNAPC4: BP4, BP7